The following is an entry in ClinVar:

ClinVar aggregate classification (germline): Likely pathogenic (1 of 4 stars; one submission).

Submission:

Labcorp Genetics (formerly Invitae), Labcorp
Classification: Likely pathogenic. Last evaluated: 2021-08-04. Review status: criteria provided, single submitter. Criteria: Invitae Variant Classification Sherloc (09022015). Collection method: clinical testing. Allele origin: germline.
Comment: This sequence change affects a splice site in intron 27 of the EYS gene. It is expected to disrupt RNA splicing. Variants that disrupt the donor or acceptor splice site typically lead to a loss of protein function (PMID: 16199547), and loss-of-function variants in EYS are known to be pathogenic (PMID: 18836446, 20333770). This variant is not present in population databases (ExAC no frequency). This variant has not been reported in the literature in individuals affected with EYS-related conditions. Algorithms developed to predict the effect of sequence changes on RNA splicing suggest that this variant may disrupt the consensus splice site. In summary, the currently available evidence indicates that the variant is pathogenic, but additional data are needed to prove that conclusively. Therefore, this variant has been classified as Likely Pathogenic.

Literature cited by the submitters: PubMed 16199547; PubMed 18836446; PubMed 20333770.

NM_001142800.2(EYS):c.5836-2del

Gene: EYS (EGF-like photoreceptor maintenance factor; minus strand). Cytogenetic location: 6q12.
Variant type: Deletion.
Coding change: c.5836-2del on transcript NM_001142800.2 (MANE Select); the canonical splice acceptor site of the intron before coding-DNA position 5836, one base deleted (A; older notation c.5836-2delA).
Molecular consequence: splice acceptor variant.
Genome position (GRCh38, 1-based): chr6:64,436,267, T deleted on the plus strand (A on the coding strand, the reverse complement: EYS is on the minus strand). VCF-style (leftmost placement, unchanged base first): chr6-64436266-CT-C. GRCh37 (hg19) VCF-style: chr6-65146159-CT-C.
Other names: c.5836-2del (NM_001292009.2).
Identifiers: ClinVar variation 1497718 (VCV001497718.6), dbSNP rs2150463985, ClinGen allele CA2573141001.